The following is an entry in ClinVar:

NM_000414.4(HSD17B4):c.100G>A (p.Ala34Thr)

Gene: HSD17B4 (hydroxysteroid 17-beta dehydrogenase 4; plus strand). Cytogenetic location: 5q23.1.
Variant type: single nucleotide variant.
Coding change: c.100G>A on transcript NM_000414.4 (MANE Select); coding-DNA position 100, G replaced by A.
Protein change: p.Ala34Thr; replaces alanine 34 with threonine.
Molecular consequence: missense variant. On other transcripts: 5 prime UTR variant (7), non-coding transcript variant (2), intron variant (1).
Genome position (GRCh38, 1-based): chr5:119,456,356, G>A. VCF-style: chr5-119456356-G-A. GRCh37 (hg19) VCF-style: chr5-118792051-G-A.
Other names: c.110G>A, p.Ser37Asn (NM_001199291.3); c.-38G>A (NM_001292027.2); c.-312G>A (NM_001292028.2, NM_001374501.1); c.100G>A, p.Ala34Thr (NM_001374497.1, NM_001374498.1); c.-246G>A (NM_001374499.1); c.-439G>A (NM_001374500.1); c.-317G>A (NM_001374502.1); c.-382G>A (NM_001374503.1); and 1 more; short protein forms A34T, S37N.
Identifiers: ClinVar variation 5003541 (VCV005003541.1).

ClinVar aggregate classification (germline): Uncertain significance (1 of 4 stars; one submission).

Conditions:
Bifunctional peroxisomal enzyme deficiency (DBIF). Also called: PBFE DEFICIENCY; D-bifunctional protein deficiency; DBP DEFICIENCY. Identifiers: Orphanet 300, MedGen C0342870, MONDO:0009855, OMIM 261515. Disease mechanism: loss of function.

Submission:

Myriad Genetics, Inc.
Classification: Uncertain significance for Bifunctional peroxisomal enzyme deficiency. Last evaluated: 2026-01-05. Review status: criteria provided, single submitter. Criteria: Myriad Autosomal Dominant, Autosomal Recessive and X-Linked Classification Criteria (2023). Collection method: clinical testing. Allele origin: unknown.
Comment: NM_000414.3(HSD17B4):c.100G>A(A34T) is a missense variant classified as a variant of uncertain significance in the context of HSD17B4-related disorders. A34T has not been observed in cases with relevant disease. Relevant functional assessments of this variant are not available in the literature. A34T has not been observed in referenced population frequency databases. In summary, there is insufficient evidence to classify NM_000414.3(HSD17B4):c.100G>A(A34T) as pathogenic or benign. Please note: this variant was assessed in the context of healthy population screening.